The following is an entry in ClinVar:

NM_001845.6(COL4A1):c.2570C>T (p.Ser857Leu)

Gene: COL4A1 (collagen type IV alpha 1 chain; minus strand). Cytogenetic location: 13q34.
Variant type: single nucleotide variant.
Coding change: c.2570C>T on transcript NM_001845.6 (MANE Select); coding-DNA position 2570, C replaced by T.
Protein change: p.Ser857Leu; replaces serine 857 with leucine.
Molecular consequence: missense variant.
Genome position (GRCh38, 1-based): chr13:110,178,120, G>A on the plus strand (C>T on the coding strand, the complement: COL4A1 is on the minus strand). VCF-style: chr13-110178120-G-A. GRCh37 (hg19) VCF-style: chr13-110830467-G-A.
Other names: c.2570C>T (NM_001845.4, NM_001845.5); short protein forms S857L.
Identifiers: ClinVar variation 196775 (VCV000196775.16), dbSNP rs145861489, ClinGen allele CA244146.

ClinVar aggregate classification (germline): Conflicting classifications of pathogenicity. Review status: criteria provided, conflicting classifications (1 of 4 stars). 7 submissions from 7 submitters: Uncertain significance (3); Benign (1); Likely benign (2). 1 of the submissions does not count toward it. Last evaluated 2026-01-05.

Conditions:
COL4A1-related disorder. Also called: COL4A1-related condition; COL4A1-related disorders. Identifiers: MedGen CN376119, MONDO:0800461.
Inborn genetic diseases. Identifiers: MedGen C0950123, MeSH D030342.

Allele frequency attached by ClinVar (database versions not stated): gnomAD exomes 0.00011 and 0.00003; gnomAD 0.00013 and 0.00011; ExAC 0.00011; TOPMed 0.00017; ESP Exome Variant Server 0.00031.
gnomAD v4.1: 60 of 1,614,038 alleles (0.0037%); highest among the groups gnomAD compares: African/African-American, 0.033%; no homozygotes.

Submissions (7):

Labcorp Genetics (formerly Invitae), Labcorp
Classification: Benign. Last evaluated: 2026-01-05. Review status: criteria provided, single submitter. Criteria: Invitae Variant Classification Sherloc (09022015). Collection method: clinical testing. Allele origin: germline.

Ambry Genetics
Classification: Likely benign for Inborn genetic diseases. Last evaluated: 2025-06-13. Review status: criteria provided, single submitter. Criteria: Ambry Variant Classification Scheme 2023. Collection method: clinical testing. Allele origin: germline.

GeneDx
Classification: Uncertain significance. Last evaluated: 2024-06-27. Review status: criteria provided, single submitter. Criteria: GeneDx Variant Classification Process June 2021. Collection method: clinical testing. Allele origin: germline. Affected: yes.
Comment: Has not been previously published as pathogenic or benign to our knowledge; Occurs in the triple helical domain at the Y position in the canonical Gly-X-Y repeat; although this variant may have an effect on normal protein folding and function, missense substitution at the Y position is not a common mechanism of disease; In silico analysis indicates that this missense variant does not alter protein structure/function

Revvity Omics, Revvity
Classification: Likely benign. Last evaluated: 2023-12-12. Review status: criteria provided, single submitter. Criteria: ACMG Guidelines, 2015. Collection method: clinical testing. Allele origin: germline.

Eurofins Ntd Llc (ga)
Classification: Uncertain significance. Last evaluated: 2016-02-18. Review status: criteria provided, single submitter. Criteria: EGL Classification Definitions 2015. Collection method: clinical testing. Allele origin: germline. Observed: 2 variant alleles, 2 heterozygotes.

Breakthrough Genomics
Classification: Uncertain significance. Review status: criteria provided, single submitter. Criteria: ACMG Guidelines, 2015. Collection method: not provided. Allele origin: germline. Inheritance: Autosomal dominant inheritance. Affected: yes.

PreventionGenetics, part of Exact Sciences
Classification: Likely benign for COL4A1-related condition. Last evaluated: 2022-09-26. Review status: no assertion criteria provided. Collection method: clinical testing. Allele origin: germline. Not counted in ClinVar's aggregate classification.
Comment: This variant is classified as likely benign based on ACMG/AMP sequence variant interpretation guidelines (Richards et al. 2015 PMID: 25741868, with internal and published modifications).